The following is an entry in ClinVar:

ClinVar aggregate classification (germline): Uncertain significance (1 of 4 stars; one submission).

Conditions:
Neuronopathy, distal hereditary motor, autosomal recessive 5. Also called: Spinal muscular atrophy, distal, autosomal recessive, 5; Young adult-onset distal hereditary motor neuropathy; NEUROPATHY, DISTAL HEREDITARY MOTOR, AUTOSOMAL RECESSIVE 5. Identifiers: Orphanet 314485, Orphanet 443950, MedGen C4749918, MONDO:0013947, OMIM 614881.

Allele frequency attached by ClinVar (database versions not stated): gnomAD exomes below 0.00001.
gnomAD v4.1: 1 of 1,614,134 alleles (0.000062%); highest among the groups gnomAD compares: Admixed American, 0.0017%; no homozygotes.

Submission:

Labcorp Genetics (formerly Invitae), Labcorp
Classification: Uncertain significance for Neuronopathy, distal hereditary motor, autosomal recessive 5. Last evaluated: 2019-10-09. Review status: criteria provided, single submitter. Criteria: Invitae Variant Classification Sherloc (09022015). Collection method: clinical testing. Allele origin: germline.
Comment: This sequence change replaces glutamic acid with glycine at codon 100 of the DNAJB2 protein (p.Glu100Gly). The glutamic acid residue is moderately conserved and there is a moderate physicochemical difference between glutamic acid and glycine. This variant is not present in population databases (ExAC no frequency). In summary, the available evidence is currently insufficient to determine the role of this variant in disease. Therefore, it has been classified as a Variant of Uncertain Significance. Algorithms developed to predict the effect of missense changes on protein structure and function are either unavailable or do not agree on the potential impact of this missense change (SIFT: "Tolerated"; PolyPhen-2: "Possibly Damaging"; Align-GVGD: "Class C0"). This variant has not been reported in the literature in individuals with DNAJB2-related conditions.

NM_006736.6(DNAJB2):c.299A>G (p.Glu100Gly)

Gene: DNAJB2 (DnaJ heat shock protein family (Hsp40) member B2; plus strand). Cytogenetic location: 2q35.
Variant type: single nucleotide variant.
Coding change: c.299A>G on transcript NM_006736.6 (MANE Select); coding-DNA position 299, A replaced by G.
Protein change: p.Glu100Gly; replaces glutamic acid 100 with glycine.
Molecular consequence: missense variant.
Genome position (GRCh38, 1-based): chr2:219,282,008, A>G. VCF-style: chr2-219282008-A-G. GRCh37 (hg19) VCF-style: chr2-220146730-A-G.
Other names: c.299A>G, p.Glu100Gly (NM_001039550.2); short protein forms E100G.
Identifiers: ClinVar variation 963223 (VCV000963223.10), dbSNP rs1233939998, ClinGen allele CA350648117.
Genomic context (GRCh38, chr2:219,282,008, plus strand): 5'-CATCTCGGGCAGAAGCTGGCAGTGGTGGGCCTGGCTTCACCTTCACCTTCCGCAGCCCCG[A>G]GGAGGTCTTCCGGGAATTCTTTGGGAGTGGAGACCCTTTTGCAGAGCTCTTTGGTGAGTG-3'
Protein context (NP_006727.2, residues 90-110): PGFTFTFRSP[Glu100Gly]EVFREFFGSG